The following is an entry in ClinVar:

ClinVar aggregate classification (germline): Uncertain significance (1 of 4 stars; one submission).

Conditions:
IFT172-related disorder. Also called: IFT172-related condition; IFT172-related disorders.

Allele frequency attached by ClinVar (database versions not stated): gnomAD exomes 0.00001.
gnomAD v4.1: 6 of 1,614,026 alleles (0.00037%); highest among the groups gnomAD compares: Non-Finnish European, 0.00051%; no homozygotes.

Submission:

PreventionGenetics, part of Exact Sciences
Classification: Uncertain significance for IFT172-related condition. Last evaluated: 2026-07-06. Review status: criteria provided, single submitter. Criteria: ACMG Guidelines, 2015. Collection method: clinical testing. Allele origin: germline.
Comment: The IFT172 c.849T>G variant is predicted to result in the amino acid substitution p.Ile283Met. To our knowledge, this variant has not been reported in the literature or in a large population database, indicating this variant is rare. At this time, the clinical significance of this variant is uncertain due to the absence of conclusive functional and genetic evidence.

NM_015662.3(IFT172):c.849T>G (p.Ile283Met)

Gene: IFT172 (intraflagellar transport 172; minus strand). Cytogenetic location: 2p23.3.
Variant type: single nucleotide variant.
Coding change: c.849T>G on transcript NM_015662.3 (MANE Select); coding-DNA position 849, T replaced by G.
Protein change: p.Ile283Met; replaces isoleucine 283 with methionine.
Molecular consequence: missense variant.
Genome position (GRCh38, 1-based): chr2:27,480,086, A>C on the plus strand (T>G on the coding strand, the complement: IFT172 is on the minus strand). VCF-style: chr2-27480086-A-C. GRCh37 (hg19) VCF-style: chr2-27702953-A-C.
Other names: c.849T>G, p.Ile283Met (NM_001410739.1); short protein forms I283M.
Identifiers: ClinVar variation 2634989 (VCV002634989.2), dbSNP rs2466002616, ClinGen allele CA346397126.